The following is an entry in ClinVar:

NM_001267550.2(TTN):c.9955G>A (p.Val3319Ile)

Gene: TTN (titin; minus strand). Cytogenetic location: 2q31.2.
Variant type: single nucleotide variant.
Coding change: c.9955G>A on transcript NM_001267550.2 (MANE Select); coding-DNA position 9955, G replaced by A.
Protein change: p.Val3319Ile; replaces valine 3319 with isoleucine.
Molecular consequence: missense variant.
Genome position (GRCh38, 1-based): chr2:178,764,560, C>T on the plus strand (G>A on the coding strand, the complement: TTN is on the minus strand). VCF-style: chr2-178764560-C-T. GRCh37 (hg19) VCF-style: chr2-179629287-C-T.
Other names: c.9955G>A, p.Val3319Ile (NM_001256850.1, NM_133378.4, NM_133379.5); c.9817G>A, p.Val3273Ile (NM_003319.4, NM_133432.3, NM_133437.4); short protein forms V3319I, V3273I.
Identifiers: ClinVar variation 180565 (VCV000180565.36), dbSNP rs375533809, ClinGen allele CA346745.

ClinVar aggregate classification (germline): Conflicting classifications of pathogenicity. Review status: criteria provided, conflicting classifications (1 of 4 stars). 6 submissions from 6 submitters: Uncertain significance (4); Likely benign (2). Last evaluated 2025-09-01.

Conditions:
TTN-related disorder. Also called: TTN-related condition; TTN-related disease; TTN-related disorders.

Allele frequency attached by ClinVar (database versions not stated): ExAC 0.00003; gnomAD exomes 0.00005; TOPMed 0.00006; ESP Exome Variant Server 0.00008; gnomAD 0.00009.
gnomAD v4.1: 81 of 1,614,002 alleles (0.005%); highest among the groups gnomAD compares: Non-Finnish European, 0.0068%; no homozygotes.

Submissions (6):

CeGaT Center for Human Genetics Tuebingen
Classification: Uncertain significance. Last evaluated: 2025-09-01. Review status: criteria provided, single submitter. Criteria: CeGaT Center For Human Genetics Tuebingen Variant Classification Criteria Version 2. Collection method: clinical testing. Allele origin: germline. Affected: yes. Observed: 2 variant alleles.
Comment: TTN: PM2:Supporting, BP4

PreventionGenetics, part of Exact Sciences
Classification: Uncertain significance for TTN-related condition. Last evaluated: 2025-05-25. Review status: criteria provided, single submitter. Criteria: ACMG Guidelines, 2015. Collection method: clinical testing. Allele origin: germline.
Comment: The TTN c.9955G>A variant is predicted to result in the amino acid substitution p.Val3319Ile. This variant has been reported as a variant of uncertain significance in an individual with restrictive cardiomyopathy (Kostareva et al. 2016. PubMed ID: 27662471). This variant is reported in 0.012% of alleles in individuals of European (Non-Finnish) descent in gnomAD. At this time, the clinical significance of this variant is uncertain due to the absence of conclusive functional and genetic evidence.

Blueprint Genetics
Classification: Likely benign. Last evaluated: 2024-09-06. Review status: criteria provided, single submitter. Criteria: ACMG Guidelines, 2015. Collection method: clinical testing. Allele origin: germline.

Revvity Omics, Revvity
Classification: Uncertain significance. Last evaluated: 2024-05-14. Review status: criteria provided, single submitter. Criteria: ACMG Guidelines, 2015. Collection method: clinical testing. Allele origin: germline.

GeneDx
Classification: Likely benign. Last evaluated: 2019-01-04. Review status: criteria provided, single submitter. Criteria: GeneDx Variant Classification Process June 2021. Collection method: clinical testing. Allele origin: germline. Affected: yes.
Comment: This variant is associated with the following publications: (PMID: 27662471, 28831623)

Eurofins Ntd Llc (ga)
Classification: Uncertain significance. Last evaluated: 2016-10-03. Review status: criteria provided, single submitter. Criteria: EGL Classification Definitions 2015. Collection method: clinical testing. Allele origin: germline. Observed: 1 variant allele, 1 heterozygote.